The following is an entry in ClinVar:

NM_001283009.2(RTEL1):c.2840A>G (p.Asn947Ser)

Genes: RTEL1-TNFRSF6B (RTEL1-TNFRSF6B readthrough (NMD candidate); plus strand), RTEL1 (regulator of telomere elongation helicase 1; plus strand). Cytogenetic location: 20q13.33.
Variant type: single nucleotide variant.
Coding change: c.2840A>G on transcript NM_001283009.2 (MANE Select); coding-DNA position 2840, A replaced by G.
Protein change: p.Asn947Ser; replaces asparagine 947 with serine.
Molecular consequence: missense variant. On other transcripts: non-coding transcript variant (1).
Genome position (GRCh38, 1-based): chr20:63,692,992, A>G. VCF-style: chr20-63692992-A-G. GRCh37 (hg19) VCF-style: chr20-62324345-A-G.
Other names: c.2171A>G, p.Asn724Ser (NM_001283010.1); c.2840A>G, p.Asn947Ser (NM_016434.4); c.2912A>G, p.Asn971Ser (NM_032957.5); c.2912A>G (NM_032957.4); short protein forms N724S, N947S, N971S.
Identifiers: ClinVar variation 1026560 (VCV001026560.12), dbSNP rs761268803, ClinGen allele CA9965573.

ClinVar aggregate classification (germline): Conflicting classifications of pathogenicity. Review status: criteria provided, conflicting classifications (1 of 4 stars). 4 submissions from 4 submitters: Uncertain significance (1); Likely benign (2). 1 of the submissions does not count toward it. Last evaluated 2024-12-17.

Conditions:
Inborn genetic diseases. Identifiers: MedGen C0950123, MeSH D030342.
Dyskeratosis congenita. Identifiers: Orphanet 1775, MedGen C0265965, MONDO:0015780.
Dyskeratosis congenita, autosomal recessive 5 (DKCB5). Identifiers: MedGen C3554656, MONDO:0014076, OMIM 615190.
Pulmonary fibrosis and/or bone marrow failure, Telomere-related, 3. Also called: PULMONARY FIBROSIS AND/OR BONE MARROW FAILURE SYNDROME, TELOMERE-RELATED, 3. Identifiers: Orphanet 2032, MedGen C4225346, MONDO:0014613, OMIM 616373.

Allele frequency attached by ClinVar (database versions not stated): gnomAD exomes 0.00001; TOPMed 0.00001.

Submissions (4):

Labcorp Genetics (formerly Invitae), Labcorp
Classification: Uncertain significance for Dyskeratosis congenita, autosomal recessive 5; Pulmonary fibrosis and/or bone marrow failure, Telomere-related, 3. Last evaluated: 2024-12-17. Review status: criteria provided, single submitter. Criteria: Invitae Variant Classification Sherloc (09022015). Collection method: clinical testing. Allele origin: germline.
Comment: This sequence change replaces asparagine, which is neutral and polar, with serine, which is neutral and polar, at codon 947 of the RTEL1 protein (p.Asn947Ser). This variant is present in population databases (rs761268803, gnomAD 0.0009%). This variant has not been reported in the literature in individuals affected with RTEL1-related conditions. ClinVar contains an entry for this variant (Variation ID: 1026560). An algorithm developed to predict the effect of missense changes on protein structure and function outputs the following: PolyPhen-2: "Benign". The serine amino acid residue is found in multiple mammalian species, which suggests that this missense change does not adversely affect protein function. In summary, the available evidence is currently insufficient to determine the role of this variant in disease. Therefore, it has been classified as a Variant of Uncertain Significance.

Blueprint Genetics
Classification: Likely benign. Last evaluated: 2023-04-28. Review status: criteria provided, single submitter. Criteria: ACMG Guidelines, 2015. Collection method: clinical testing. Allele origin: germline.

Ambry Genetics
Classification: Likely benign for Inborn genetic diseases. Last evaluated: 2022-09-05. Review status: criteria provided, single submitter. Criteria: Ambry Variant Classification Scheme 2023. Collection method: clinical testing. Allele origin: germline.

Natera, Inc.
Classification: Uncertain significance for Dyskeratosis congenita. Last evaluated: 2020-02-13. Review status: no assertion criteria provided. Collection method: clinical testing. Allele origin: germline. Not counted in ClinVar's aggregate classification.